The following is an entry in ClinVar:

NM_001142800.2(EYS):c.6497A>G (p.Glu2166Gly)

Gene: EYS (EGF-like photoreceptor maintenance factor; minus strand). Cytogenetic location: 6q12.
Variant type: single nucleotide variant.
Coding change: c.6497A>G on transcript NM_001142800.2 (MANE Select); coding-DNA position 6497, A replaced by G.
Protein change: p.Glu2166Gly; replaces glutamic acid 2166 with glycine.
Molecular consequence: missense variant.
Genome position (GRCh38, 1-based): chr6:64,081,930, T>C on the plus strand (A>G on the coding strand, the complement: EYS is on the minus strand). VCF-style: chr6-64081930-T-C. GRCh37 (hg19) VCF-style: chr6-64791823-T-C.
Other names: c.6497A>G, p.Glu2166Gly (NM_001292009.2); c.6497A>G (NM_001142800.1); short protein forms E2166G.
Identifiers: ClinVar variation 2156447 (VCV002156447.3), dbSNP rs946499278, ClinGen allele CA140278473.
Genomic context (GRCh38, chr6:64,081,930, plus strand): 5'-CCATTTAAACTGTTTGTTTTTATAGTCAAGTAGATGGTAACAGTTCTGTTATGTTCCTTC[T>C]CCAGGACAAACTTCAAAAAGGGCAGTTCTAAATAGGAATTCCCATTGAAAGATGGAAAGA-3'
Protein context (NP_001136272.1, residues 2156-2176): LELPFLKFVL[Glu2166Gly]KEHNRTVTIY

ClinVar aggregate classification (germline): Uncertain significance. Review status: criteria provided, multiple submitters, no conflicts (2 of 4 stars). 3 submissions from 3 submitters: Uncertain significance (3). Last evaluated 2024-07-14.

Conditions:
Inborn genetic diseases. Identifiers: MedGen C0950123, MeSH D030342.

Allele frequency attached by ClinVar (database versions not stated): gnomAD 0.00001; gnomAD exomes 0.00001; TOPMed 0.00001.
gnomAD v4.1: 12 of 1,544,436 alleles (0.00078%); highest among the groups gnomAD compares: Non-Finnish European, 0.00088%; no homozygotes.

Submissions (3):

Ambry Genetics
Classification: Uncertain significance for Inborn genetic diseases. Last evaluated: 2024-07-14. Review status: criteria provided, single submitter. Criteria: Ambry Variant Classification Scheme 2023. Collection method: clinical testing. Allele origin: germline.

Blueprint Genetics
Classification: Uncertain significance. Last evaluated: 2023-09-26. Review status: criteria provided, single submitter. Criteria: ACMG Guidelines, 2015. Collection method: clinical testing. Allele origin: germline.

Labcorp Genetics (formerly Invitae), Labcorp
Classification: Uncertain significance. Last evaluated: 2022-04-24. Review status: criteria provided, single submitter. Criteria: Invitae Variant Classification Sherloc (09022015). Collection method: clinical testing. Allele origin: germline.
Comment: This sequence change replaces glutamic acid, which is acidic and polar, with glycine, which is neutral and non-polar, at codon 2166 of the EYS protein (p.Glu2166Gly). This variant is present in population databases (no rsID available, gnomAD 0.005%). This variant has not been reported in the literature in individuals affected with EYS-related conditions. Algorithms developed to predict the effect of missense changes on protein structure and function output the following: SIFT: "Tolerated"; PolyPhen-2: "Benign"; Align-GVGD: "Class C0". The glycine amino acid residue is found in multiple mammalian species, which suggests that this missense change does not adversely affect protein function. In summary, the available evidence is currently insufficient to determine the role of this variant in disease. Therefore, it has been classified as a Variant of Uncertain Significance.